The following is an entry in ClinVar:

NM_175871.4(SWSAP1):c.213C>G (p.Arg71=)

Gene: SWSAP1 (SWIM-type zinc finger 7 associated protein 1; plus strand). Cytogenetic location: 19p13.2.
Variant type: single nucleotide variant.
Coding change: c.213C>G on transcript NM_175871.4 (MANE Select); coding-DNA position 213, C replaced by G.
Protein change: p.Arg71=; no amino-acid change (arginine 71 retained).
Molecular consequence: synonymous variant.
Genome position (GRCh38, 1-based): chr19:11,374,893, C>G. VCF-style: chr19-11374893-C-G. GRCh37 (hg19) VCF-style: chr19-11485569-C-G.
Identifiers: ClinVar variation 3777782 (VCV003777782.7).

ClinVar aggregate classification (germline): Likely benign (1 of 4 stars; one submission).

Submission:

CeGaT Center for Human Genetics Tuebingen
Classification: Likely benign. Last evaluated: 2025-03-01. Review status: criteria provided, single submitter. Criteria: CeGaT Center For Human Genetics Tuebingen Variant Classification Criteria Version 2. Collection method: clinical testing. Allele origin: germline. Affected: yes. Observed: 1 variant allele.
Comment: SWSAP1: BP4, BP7